The following is an entry in ClinVar:

NM_001372.4(DNAH9):c.1828G>A (p.Gly610Ser)

Gene: DNAH9 (dynein axonemal heavy chain 9; plus strand). Cytogenetic location: 17p12.
Variant type: single nucleotide variant.
Coding change: c.1828G>A on transcript NM_001372.4 (MANE Select); coding-DNA position 1828, G replaced by A.
Protein change: p.Gly610Ser; replaces glycine 610 with serine.
Molecular consequence: missense variant.
Genome position (GRCh38, 1-based): chr17:11,640,311, G>A. VCF-style: chr17-11640311-G-A. GRCh37 (hg19) VCF-style: chr17-11543628-G-A.
Other names: short protein forms G610S.
Identifiers: ClinVar variation 1899517 (VCV001899517.4), dbSNP rs757776336, ClinGen allele CA8394996.

ClinVar aggregate classification (germline): Uncertain significance (1 of 4 stars; one submission).

Allele frequency attached by ClinVar (database versions not stated): ExAC 0.00002; TOPMed 0.00002; gnomAD 0.00003.
gnomAD v4.1: 74 of 1,613,792 alleles (0.0046%); highest among the groups gnomAD compares: East Asian, 0.0089%; no homozygotes.

Submission:

Labcorp Genetics (formerly Invitae), Labcorp
Classification: Uncertain significance. Last evaluated: 2025-09-23. Review status: criteria provided, single submitter. Criteria: Invitae Variant Classification Sherloc (09022015). Collection method: clinical testing. Allele origin: germline.
Comment: This sequence change replaces glycine, which is neutral and non-polar, with serine, which is neutral and polar, at codon 610 of the DNAH9 protein (p.Gly610Ser). This variant is present in population databases (rs757776336, gnomAD 0.005%). This variant has not been reported in the literature in individuals affected with DNAH9-related conditions. ClinVar contains an entry for this variant (Variation ID: 1899517). Invitae Evidence Modeling of protein sequence and biophysical properties (such as structural, functional, and spatial information, amino acid conservation, physicochemical variation, residue mobility, and thermodynamic stability) indicates that this missense variant is expected to disrupt DNAH9 protein function with a positive predictive value of 80%. In summary, the available evidence is currently insufficient to determine the role of this variant in disease. Therefore, it has been classified as a Variant of Uncertain Significance.